The following is an entry in ClinVar:

NM_001267550.2(TTN):c.94581G>A (p.Trp31527Ter)

Genes: TTN (titin; minus strand), TTN-AS1 (TTN antisense RNA 1; plus strand). Cytogenetic location: 2q31.2.
Variant type: single nucleotide variant.
Coding change: c.94581G>A on transcript NM_001267550.2 (MANE Select); coding-DNA position 94581, G replaced by A.
Protein change: p.Trp31527Ter; replaces tryptophan 31527 with a stop codon.
Molecular consequence: nonsense.
Genome position (GRCh38, 1-based): chr2:178,546,847, C>T on the plus strand (G>A on the coding strand, the complement: TTN is on the minus strand). VCF-style: chr2-178546847-C-T. GRCh37 (hg19) VCF-style: chr2-179411574-C-T.
Other names: c.89658G>A, p.Trp29886Ter (NM_001256850.1); c.67386G>A, p.Trp22462Ter (NM_003319.4); c.86877G>A, p.Trp28959Ter (NM_133378.4); c.67761G>A, p.Trp22587Ter (NM_133432.3); c.67962G>A, p.Trp22654Ter (NM_133437.4); short protein forms W22462*, W28959*, W29886*, W22587*, W22654*, W31527*.
Identifiers: ClinVar variation 2018576 (VCV002018576.4), dbSNP rs2469068787, ClinGen allele CA349472401.

ClinVar aggregate classification (germline): Likely pathogenic (1 of 4 stars; one submission).

Conditions:
Autosomal recessive limb-girdle muscular dystrophy type 2J (LGMDR10). Also called: Limb-girdle muscular dystrophy, type 2J; MUSCULAR DYSTROPHY, LIMB-GIRDLE, AUTOSOMAL RECESSIVE 10. Identifiers: Orphanet 140922, MedGen C1837342, MONDO:0012127, OMIM 608807.
Dilated cardiomyopathy 1G (CMD1G). Identifiers: Orphanet 154, MedGen C1858763, MONDO:0011400, OMIM 604145.

Submission:

Labcorp Genetics (formerly Invitae), Labcorp
Classification: Likely pathogenic for Dilated cardiomyopathy 1G; Autosomal recessive limb-girdle muscular dystrophy type 2J. Last evaluated: 2022-10-07. Review status: criteria provided, single submitter. Criteria: Invitae Variant Classification Sherloc (09022015). Collection method: clinical testing. Allele origin: germline.
Comment: This variant has not been reported in the literature in individuals affected with TTN-related conditions. This variant is located in the A band of TTN (PMID: 25589632). Truncating variants in this region are significantly overrepresented in patients affected with dilated cardiomyopathy (PMID: 25589632). Truncating variants in this region have also been reported in individuals affected with autosomal recessive centronuclear myopathy (PMID: 23975875). In summary, the currently available evidence indicates that the variant is pathogenic, but additional data are needed to prove that conclusively. Therefore, this variant has been classified as Likely Pathogenic. This variant is not present in population databases (gnomAD no frequency). This sequence change creates a premature translational stop signal (p.Trp31527*) in the TTN gene. While this is not anticipated to result in nonsense mediated decay, it is expected to create a truncated TTN protein.

Literature cited by the submitters: PubMed 25589632; PubMed 23975875.